The following is an entry in ClinVar:

ClinVar aggregate classification (germline): Benign/Likely benign. Review status: criteria provided, multiple submitters, no conflicts (2 of 4 stars). 5 submissions from 5 submitters: Benign (1); Likely benign (4). Last evaluated 2025-06-17.

Conditions:
Autosomal dominant nonsyndromic hearing loss 6 (LFSNHL). Also called: Autosomal dominant nonsyndromic deafness 6; DEAFNESS, AUTOSOMAL DOMINANT 6; DEAFNESS, AUTOSOMAL DOMINANT 14; DEAFNESS, AUTOSOMAL DOMINANT 38. Identifiers: Orphanet 90635, MedGen C1833021, MONDO:0010963, OMIM 600965.
Type 2 diabetes mellitus. Also called: Type II diabetes mellitus. Identifiers: MedGen C0011860, MeSH D003924, MONDO:0005148, OMIM 125853, HP:0005978.
Wolfram-like syndrome. Also called: HEARING LOSS, PROGRESSIVE, WITH OPTIC ATROPHY AND/OR IMPAIRED GLUCOSE REGULATION. Identifiers: Orphanet 411590, MedGen C3280358, MONDO:0013673, OMIM 614296.
Wolfram syndrome 1 (WFS1). Identifiers: Orphanet 3463, MedGen C4551693, MONDO:0009101, OMIM 222300.
Cataract 41 (CTRCT41). Also called: CATARACT 41, CONGENITAL NUCLEAR TYPE. Identifiers: Orphanet 91492, Orphanet 98991, Orphanet 98992, Orphanet 98995, MedGen C3805412, MONDO:0007287, OMIM 116400.

Allele frequency attached by ClinVar (database versions not stated): TOPMed 0.00006; 1000 Genomes Project 30x 0.00047; 1000 Genomes Project 0.00060.
gnomAD v4.1: 112 of 1,614,124 alleles (0.0069%); highest among the groups gnomAD compares: South Asian, 0.059%; no homozygotes.

Submissions (5):

Labcorp Genetics (formerly Invitae), Labcorp
Classification: Likely benign. Last evaluated: 2025-06-17. Review status: criteria provided, single submitter. Criteria: Invitae Variant Classification Sherloc (09022015). Collection method: clinical testing. Allele origin: germline.

Blueprint Genetics
Classification: Likely benign. Last evaluated: 2023-04-17. Review status: criteria provided, single submitter. Criteria: ACMG Guidelines, 2015. Collection method: clinical testing. Allele origin: germline.

Fulgent Genetics
Classification: Likely benign for Cataract 41; Type 2 diabetes mellitus; Wolfram syndrome 1; Autosomal dominant nonsyndromic hearing loss 6; Wolfram-like syndrome. Last evaluated: 2021-10-27. Review status: criteria provided, single submitter. Criteria: ACMG Guidelines, 2015. Collection method: clinical testing. Allele origin: unknown.

GeneDx
Classification: Likely benign. Last evaluated: 2020-02-10. Review status: criteria provided, single submitter. Criteria: GeneDx Variant Classification Process June 2021. Collection method: clinical testing. Allele origin: germline. Affected: yes.
Comment: This variant is associated with the following publications: (PMID: 20028947)

Clinical Genomics, Uppaluri K&H Personalized Medicine Clinic
Classification: Benign for Wolfram syndrome 1. Review status: criteria provided, single submitter. Criteria: K & H Uppaluri Personalized Medicine Clinic Variant Classification & Assertion Criteria_Updated V.1. Collection method: research. Allele origin: unknown. Inheritance: Autosomal recessive inheritance.
Comment: Potent mutations in WFS1 gene are associated with Wolfram's syndrome, an autosomal recessive condition, which cause diabetes mellitus, diabetes insipidus, deafness and optic atrophy. However no sufficient evidence is found to ascertain the role of this particular variant rs142295878 in Wolfram's syndrome yet.

Literature cited by the submitters: PubMed 20738327 (cited by Clinical Genomics, Uppaluri K&H Personalized Medicine Clinic); PubMed 33879153 (cited by Clinical Genomics, Uppaluri K&H Personalized Medicine Clinic); PubMed 12955714 (cited by Clinical Genomics, Uppaluri K&H Personalized Medicine Clinic); PubMed 18060660 (cited by Clinical Genomics, Uppaluri K&H Personalized Medicine Clinic); PubMed 20301750 (cited by Clinical Genomics, Uppaluri K&H Personalized Medicine Clinic); PubMed 17603484 (cited by Clinical Genomics, Uppaluri K&H Personalized Medicine Clinic).

NM_006005.3(WFS1):c.1806G>A (p.Ala602=)

Gene: WFS1 (wolframin ER transmembrane glycoprotein; plus strand). Cytogenetic location: 4p16.1.
Variant type: single nucleotide variant.
Coding change: c.1806G>A on transcript NM_006005.3 (MANE Select); coding-DNA position 1806, G replaced by A.
Protein change: p.Ala602=; no amino-acid change (alanine 602 retained).
Molecular consequence: synonymous variant.
Genome position (GRCh38, 1-based): chr4:6,301,601, G>A. VCF-style: chr4-6301601-G-A. GRCh37 (hg19) VCF-style: chr4-6303328-G-A.
Other names: c.1806G>A, p.Ala602= (NM_001145853.1).
Identifiers: ClinVar variation 391799 (VCV000391799.15), dbSNP rs142295878, ClinGen allele CA2839500.